The following is an entry in ClinVar:

NM_030665.4(RAI1):c.3996C>T (p.Ile1332=)

Gene: RAI1 (retinoic acid induced 1; plus strand). Cytogenetic location: 17p11.2.
Variant type: single nucleotide variant.
Coding change: c.3996C>T on transcript NM_030665.4 (MANE Select); coding-DNA position 3996, C replaced by T.
Protein change: p.Ile1332=; no amino-acid change (isoleucine 1332 retained).
Molecular consequence: synonymous variant.
Genome position (GRCh38, 1-based): chr17:17,796,944, C>T. VCF-style: chr17-17796944-C-T. GRCh37 (hg19) VCF-style: chr17-17700258-C-T.
Other names: c.3996C>T (NM_030665.3).
Identifiers: ClinVar variation 2417650 (VCV002417650.9), dbSNP rs760177909, ClinGen allele CA8418873.
Genomic context (GRCh38, chr17:17,796,944, plus strand): 5'-GGCCATGAAGACCAAGGTGCTGCCACCCCGGAAGGGCCGGGGCCTGAAGCTGGAAGCCAT[C>T]GTGCAGAAGATCACCTCGCCCAGCCTCAAGAAGTTCGCATGTAAAGCGCCAGGGGCCTCT-3'
Protein context (NP_109590.3, residues 1322-1342): RKGRGLKLEA[Ile1332=]VQKITSPSLK

ClinVar aggregate classification (germline): Likely benign. Review status: criteria provided, single submitter (1 of 4 stars). 2 submissions from 2 submitters: Likely benign (1). 1 of the submissions does not count toward it. Last evaluated 2023-11-24.

Conditions:
RAI1-related disorder. Also called: RAI1-related condition.

Allele frequency attached by ClinVar (database versions not stated): gnomAD exomes below 0.00001; ExAC 0.00001.
gnomAD v4.1: 7 of 1,613,642 alleles (0.00043%); highest among the groups gnomAD compares: South Asian, 0.0055%; no homozygotes.

Submissions (2):

Labcorp Genetics (formerly Invitae), Labcorp
Classification: Likely benign. Last evaluated: 2023-11-24. Review status: criteria provided, single submitter. Criteria: Invitae Variant Classification Sherloc (09022015). Collection method: clinical testing. Allele origin: germline.

PreventionGenetics, part of Exact Sciences
Classification: Likely benign for RAI1-related condition. Last evaluated: 2021-04-06. Review status: no assertion criteria provided. Collection method: clinical testing. Allele origin: germline. Not counted in ClinVar's aggregate classification.
Comment: This variant is classified as likely benign based on ACMG/AMP sequence variant interpretation guidelines (Richards et al. 2015 PMID: 25741868, with internal and published modifications).